The following is an entry in ClinVar:

ClinVar aggregate classification (germline): Uncertain significance (1 of 4 stars; one submission).

Conditions:
Cardiovascular phenotype. Identifiers: MedGen CN230736.

gnomAD v4.1: 7 of 1,614,168 alleles (0.00043%); highest among the groups gnomAD compares: Non-Finnish European, 0.00059%; no homozygotes.

Submission:

Ambry Genetics
Classification: Uncertain significance for Cardiovascular phenotype. Last evaluated: 2026-08-13. Review status: criteria provided, single submitter. Criteria: Ambry Variant Classification Scheme 2023. Collection method: clinical testing. Allele origin: germline.
Comment: The p.T520I variant (also known as c.1559C>T), located in coding exon 1 of the DOLK gene, results from a C to T substitution at nucleotide position 1559. The threonine at codon 520 is replaced by isoleucine, an amino acid with similar properties. This amino acid position is highly conserved in available vertebrate species. In addition, the in silico prediction for this alteration is inconclusive. Based on the available evidence, the clinical significance of this variant remains unclear.

NM_014908.4(DOLK):c.1559C>T (p.Thr520Ile)

Gene: DOLK (dolichol kinase; minus strand). Cytogenetic location: 9q34.11.
Variant type: single nucleotide variant.
Coding change: c.1559C>T on transcript NM_014908.4 (MANE Select); coding-DNA position 1559, C replaced by T.
Protein change: p.Thr520Ile; replaces threonine 520 with isoleucine.
Molecular consequence: missense variant.
Genome position (GRCh38, 1-based): chr9:128,945,745, G>A on the plus strand (C>T on the coding strand, the complement: DOLK is on the minus strand). VCF-style: chr9-128945745-G-A. GRCh37 (hg19) VCF-style: chr9-131708024-G-A.
Other names: short protein forms T520I.
Identifiers: ClinVar variation 5035564 (VCV005035564.1).